The following is an entry in ClinVar:

NM_005026.5(PIK3CD):c.337A>G (p.Ile113Val)

Gene: PIK3CD (phosphatidylinositol-4,5-bisphosphate 3-kinase catalytic subunit delta; plus strand). Cytogenetic location: 1p36.22.
Variant type: single nucleotide variant.
Coding change: c.337A>G on transcript NM_005026.5 (MANE Select); coding-DNA position 337, A replaced by G.
Protein change: p.Ile113Val; replaces isoleucine 113 with valine.
Molecular consequence: missense variant.
Genome position (GRCh38, 1-based): chr1:9,715,736, A>G. VCF-style: chr1-9715736-A-G. GRCh37 (hg19) VCF-style: chr1-9775794-A-G.
Other names: c.337A>G, p.Ile113Val (NM_001350234.2, NM_001350235.1); short protein forms I113V.
Identifiers: ClinVar variation 1000036 (VCV001000036.9), dbSNP rs756298807, ClinGen allele CA576834.
Genomic context (GRCh38, chr1:9,715,736, plus strand): 5'-CAGCCCTTCCTGCCCGTCCTGCGCCTGGTGGCCCGTGAGGGCGACCGCGTGAAGAAGCTC[A>G]TCAACTCACAGATCAGCCTCCTCATCGGCAAAGGTAGCTCTGCCGAGTGGGCCGTGTGGC-3'
Protein context (NP_005017.3, residues 103-123): AREGDRVKKL[Ile113Val]NSQISLLIGK

ClinVar aggregate classification (germline): Uncertain significance (1 of 4 stars; one submission).

Conditions:
Immunodeficiency 14 (IMD14A). Also called: ACTIVATED PI3K-DELTA SYNDROME 1; IMMUNODEFICIENCY 14A WITH LYMPHOPROLIFERATION, AUTOSOMAL DOMINANT; Activated PI3K Delta Syndrome Type 1 (APDS1); p110-DELTA-ACTIVATING MUTATION CAUSING SENESCENT T CELLS, LYMPHADENOPATHY, AND IMMUNODEFICIENCY. Identifiers: Orphanet 397596, Orphanet 693661, MedGen C5907821, MONDO:0014222, OMIM 615513.

Allele frequency attached by ClinVar (database versions not stated): gnomAD exomes below 0.00001 and 0.00001; ExAC 0.00001.
gnomAD v4.1: 10 of 1,613,380 alleles (0.00062%); highest among the groups gnomAD compares: Non-Finnish European, 0.00085%; no homozygotes.

Submission:

Labcorp Genetics (formerly Invitae), Labcorp
Classification: Uncertain significance for Activated PI3K-delta syndrome. Last evaluated: 2023-09-15. Review status: criteria provided, single submitter. Criteria: Invitae Variant Classification Sherloc (09022015). Collection method: clinical testing. Allele origin: germline.
Comment: This sequence change replaces isoleucine, which is neutral and non-polar, with valine, which is neutral and non-polar, at codon 113 of the PIK3CD protein (p.Ile113Val). This variant is present in population databases (rs756298807, gnomAD 0.0009%). This variant has not been reported in the literature in individuals affected with PIK3CD-related conditions. In summary, the available evidence is currently insufficient to determine the role of this variant in disease. Therefore, it has been classified as a Variant of Uncertain Significance. Advanced modeling of protein sequence and biophysical properties (such as structural, functional, and spatial information, amino acid conservation, physicochemical variation, residue mobility, and thermodynamic stability) performed at Invitae indicates that this missense variant is not expected to disrupt PIK3CD protein function. ClinVar contains an entry for this variant (Variation ID: 1000036).